The following is an entry in ClinVar:

ClinVar aggregate classification (germline): Likely benign (0 of 4 stars; one submission).

Conditions:
ARID1B-Related Disorder. Identifiers: MedGen CN381337.

Submission:

PreventionGenetics, part of Exact Sciences
Classification: Likely benign for ARID1B-related condition. Last evaluated: 2020-03-05. Review status: no assertion criteria provided. Collection method: clinical testing. Allele origin: germline.
Comment: This variant is classified as likely benign based on ACMG/AMP sequence variant interpretation guidelines (Richards et al. 2015 PMID: 25741868, with internal and published modifications).

NM_001374828.1(ARID1B):c.1635G>T (p.Ala545=)

Gene: ARID1B (AT-rich interaction domain 1B; plus strand). Cytogenetic location: 6q25.3.
Variant type: single nucleotide variant.
Coding change: c.1635G>T on transcript NM_001374828.1 (MANE Select); coding-DNA position 1635, G replaced by T.
Protein change: p.Ala545=; no amino-acid change (alanine 545 retained).
Molecular consequence: synonymous variant.
Genome position (GRCh38, 1-based): chr6:156,779,315, G>T. VCF-style: chr6-156779315-G-T. GRCh37 (hg19) VCF-style: chr6-157100449-G-T.
Other names: c.1386G>T, p.Ala462= (NM_001346813.1, NM_020732.3); c.1635G>T, p.Ala545= (NM_001371656.1, NM_001374820.1, NM_017519.3); c.1212G>T, p.Ala404= (NM_175863.2).
Identifiers: ClinVar variation 3060436 (VCV003060436.2), dbSNP rs2115002214, ClinGen allele CA452989735.